The following is an entry in ClinVar:

NM_000540.3(RYR1):c.6436C>T (p.Pro2146Ser)

Gene: RYR1 (ryanodine receptor 1; plus strand). Cytogenetic location: 19q13.2.
Variant type: single nucleotide variant.
Coding change: c.6436C>T on transcript NM_000540.3 (MANE Select); coding-DNA position 6436, C replaced by T.
Protein change: p.Pro2146Ser; replaces proline 2146 with serine.
Molecular consequence: missense variant.
Genome position (GRCh38, 1-based): chr19:38,494,513, C>T. VCF-style: chr19-38494513-C-T. GRCh37 (hg19) VCF-style: chr19-38985153-C-T.
Other names: c.6436C>T, p.Pro2146Ser (NM_001042723.2); short protein forms P2146S.
Identifiers: ClinVar variation 3070598 (VCV003070598.1), dbSNP rs778281847, ClinGen allele CA405664074.

ClinVar aggregate classification (germline): Uncertain significance (1 of 4 stars; one submission).

Conditions:
Malignant hyperthermia, susceptibility to, 1 (MHS1). Also called: Anesthesia related hyperthermia; Malignant hyperpyrexia; Fulminating hyperpyrexia; Pharmacogenic myopathy; RYR1-Related Malignant Hyperthermia Susceptibility; Malignant hyperthermia suceptibility 1. Identifiers: Orphanet 423, MedGen C2930980, MONDO:0007783, OMIM 145600.

gnomAD v4.1: 1 of 1,613,802 alleles (0.000062%); highest among the groups gnomAD compares: South Asian, 0.0011%; no homozygotes.

Submission:

All of Us Research Program, National Institutes of Health
Classification: Uncertain significance for Malignant hyperthermia, susceptibility to, 1. Last evaluated: 2023-04-27. Review status: criteria provided, single submitter. Criteria: ACMG Guidelines, 2015. Collection method: clinical testing. Allele origin: germline. Inheritance: Autosomal dominant inheritance. Observed: 1 variant allele, 1 heterozygote.
Comment: This study involves interpretation of variants in research participants for the purpose of population health screening. Participant phenotype was not available at the time of variant classification. Additional details can be found in publication PMID: 35346344, PMCID: PMC8962531